The following is an entry in ClinVar:

ClinVar aggregate classification (germline): Conflicting classifications of pathogenicity. Review status: criteria provided, conflicting classifications (1 of 4 stars). 2 submissions from 2 submitters: Uncertain significance (1); Likely benign (1). Last evaluated 2025-02-05.

Conditions:
Bartter disease type 1. Also called: HYPERPROSTAGLANDIN E SYNDROME 1; HYPOKALEMIC ALKALOSIS WITH HYPERCALCIURIA 1, ANTENATAL; Bartter syndrome, type 1, antenatal; Bartter Syndrome type 1. Identifiers: Orphanet 112, Orphanet 620217, MedGen C1866495, MONDO:0100344, OMIM 601678, MONDO:0011127.

Allele frequency attached by ClinVar (database versions not stated): TOPMed 0.00006; ExAC 0.00007; gnomAD 0.00007 and 0.00008; ESP Exome Variant Server 0.00008.
gnomAD v4.1: 30 of 1,571,526 alleles (0.0019%); highest among the groups gnomAD compares: Admixed American, 0.013%; no homozygotes.

Submissions (2):

Women's Health and Genetics/Laboratory Corporation of America, LabCorp
Classification: Uncertain significance. Last evaluated: 2025-02-05. Review status: criteria provided, single submitter. Criteria: LabCorp Variant Classification Summary - May 2015. Collection method: clinical testing. Allele origin: germline.
Comment: Variant summary: SLC12A1 c.2929G>A (p.Gly977Ser) results in a non-conservative amino acid change in the encoded protein sequence. Three of five in-silico tools predict a damaging effect of the variant on protein function. The variant allele was found at a frequency of 2.1e-05 in 191454 control chromosomes. The available data on variant occurrences in the general population are insufficient to allow any conclusion about variant significance. To our knowledge, no occurrence of c.2929G>A in individuals affected with Bartter Syndrome, Type 1 and no experimental evidence demonstrating its impact on protein function have been reported. ClinVar contains an entry for this variant (Variation ID: 316277). Based on the evidence outlined above, the variant was classified as uncertain significance.

Illumina Laboratory Services, Illumina
Classification: Likely benign for Bartter disease type 1. Last evaluated: 2018-01-13. Review status: criteria provided, single submitter. Criteria: ICSL Variant Classification Criteria 13 December 2019. Collection method: clinical testing. Allele origin: germline.
Comment: This variant was observed in the ICSL laboratory as part of a predisposition screen in an ostensibly healthy population. It had not been previously curated by ICSL or reported in the Human Gene Mutation Database (HGMD: prior to June 1st, 2018), and was therefore a candidate for classification through an automated scoring system. Utilizing variant allele frequency, disease prevalence and penetrance estimates, and inheritance mode, an automated score was calculated to assess if this variant is too frequent to cause the disease. Based on the score and internal cut-off values, a variant classified as likely benign is not then subjected to further curation. The score for this variant resulted in a classification of likely benign for this disease.

NM_000338.3(SLC12A1):c.2929G>A (p.Gly977Ser)

Gene: SLC12A1 (solute carrier family 12 member 1; plus strand). Cytogenetic location: 15q21.1.
Variant type: single nucleotide variant.
Coding change: c.2929G>A on transcript NM_000338.3 (MANE Select); coding-DNA position 2929, G replaced by A.
Protein change: p.Gly977Ser; replaces glycine 977 with serine.
Molecular consequence: missense variant.
Genome position (GRCh38, 1-based): chr15:48,291,833, G>A. VCF-style: chr15-48291833-G-A. GRCh37 (hg19) VCF-style: chr15-48584030-G-A.
Other names: c.2929G>A, p.Gly977Ser (NM_001184832.2); short protein forms G977S.
Identifiers: ClinVar variation 316277 (VCV000316277.6), dbSNP rs372350814, ClinGen allele CA7547546.